The following is an entry in ClinVar:

NM_020987.5(ANK3):c.4085G>C (p.Gly1362Ala)

Gene: ANK3 (ankyrin 3; minus strand). Cytogenetic location: 10q21.2.
Variant type: single nucleotide variant.
Coding change: c.4085G>C on transcript NM_020987.5 (MANE Select); coding-DNA position 4085, G replaced by C.
Protein change: p.Gly1362Ala; replaces glycine 1362 with alanine.
Molecular consequence: missense variant.
Genome position (GRCh38, 1-based): chr10:60,083,607, C>G on the plus strand (G>C on the coding strand, the complement: ANK3 is on the minus strand). VCF-style: chr10-60083607-C-G. GRCh37 (hg19) VCF-style: chr10-61843365-C-G.
Other names: c.1487G>C, p.Gly496Ala (NM_001149.4); c.4067G>C, p.Gly1356Ala (NM_001204403.2); c.4088G>C, p.Gly1363Ala (NM_001204404.2); c.4085G>C, p.Gly1362Ala (NM_001320874.2); short protein forms G1356A, G1362A, G1363A, G496A.
Identifiers: ClinVar variation 434189 (VCV000434189.39), dbSNP rs200556767, ClinGen allele CA5512306.

ClinVar aggregate classification (germline): Conflicting classifications of pathogenicity. Review status: criteria provided, conflicting classifications (1 of 4 stars). 3 submissions from 3 submitters: Uncertain significance (1); Likely benign (2). Last evaluated 2025-12-08.

Allele frequency attached by ClinVar (database versions not stated): TOPMed 0.00014; ESP Exome Variant Server 0.00015; gnomAD 0.00019 and 0.00036; gnomAD exomes 0.00065 and 0.00104; 1000 Genomes Project 0.00120; ExAC 0.00122; 1000 Genomes Project 30x 0.00125.
gnomAD v4.1: 985 of 1,597,806 alleles (0.062%); highest among the groups gnomAD compares: South Asian, 0.62%; 11 homozygotes.

Submissions (3):

Labcorp Genetics (formerly Invitae), Labcorp
Classification: Likely benign. Last evaluated: 2025-12-08. Review status: criteria provided, single submitter. Criteria: Invitae Variant Classification Sherloc (09022015). Collection method: clinical testing. Allele origin: germline.

CeGaT Center for Human Genetics Tuebingen
Classification: Likely benign. Last evaluated: 2025-11-01. Review status: criteria provided, single submitter. Criteria: CeGaT Center For Human Genetics Tuebingen Variant Classification Criteria Version 2. Collection method: clinical testing. Allele origin: germline. Affected: yes. Observed: 8 variant alleles.
Comment: ANK3: BS2

Genetic Services Laboratory, University of Chicago
Classification: Uncertain significance. Last evaluated: 2015-10-20. Review status: criteria provided, single submitter. Criteria: ACMG Guidelines, 2015. Collection method: clinical testing. Allele origin: germline. Affected: no.